The following is an entry in ClinVar:

NM_001127178.3(PIGG):c.2315C>T (p.Thr772Met)

Gene: PIGG (phosphatidylinositol glycan anchor biosynthesis class G (EMM blood group); plus strand). Cytogenetic location: 4p16.3.
Variant type: single nucleotide variant.
Coding change: c.2315C>T on transcript NM_001127178.3 (MANE Select); coding-DNA position 2315, C replaced by T.
Protein change: p.Thr772Met; replaces threonine 772 with methionine.
Molecular consequence: missense variant. On other transcripts: non-coding transcript variant (6).
Genome position (GRCh38, 1-based): chr4:530,489, C>T. VCF-style: chr4-530489-C-T. GRCh37 (hg19) VCF-style: chr4-524278-C-T.
Other names: c.2048C>T, p.Thr683Met (NM_001289051.2, NM_001345986.2); c.1916C>T, p.Thr639Met (NM_001289052.2); c.2024C>T, p.Thr675Met (NM_001345987.2); c.1286C>T, p.Thr429Met (NM_001345988.2); c.782C>T, p.Thr261Met (NM_001345990.2, NM_001345991.2); c.1217C>T, p.Thr406Met (NM_001345994.2); c.2291C>T, p.Thr764Met (NM_017733.5); short protein forms T675M, T764M, T772M, T429M, T683M, T261M, T406M, T639M.
Identifiers: ClinVar variation 2080040 (VCV002080040.2), dbSNP rs769044460, ClinGen allele CA2793618.

ClinVar aggregate classification (germline): Uncertain significance. Review status: criteria provided, multiple submitters, no conflicts (2 of 4 stars). 2 submissions from 2 submitters: Uncertain significance (2). Last evaluated 2022-08-02.

Conditions:
Inborn genetic diseases. Identifiers: MedGen C0950123, MeSH D030342.
Intellectual disability, autosomal recessive 53 (NEDHSCA). Also called: GLYCOSYLPHOSPHATIDYLINOSITOL BIOSYNTHESIS DEFECT 13; Mental retardation, autosomal recessive 53; NEURODEVELOPMENTAL DISORDER WITH OR WITHOUT HYPOTONIA, SEIZURES, AND CEREBELLAR ATROPHY. Identifiers: Orphanet 488635, MedGen C4310794, MONDO:0014832, OMIM 616917.

Allele frequency attached by ClinVar (database versions not stated): gnomAD 0.00001; gnomAD exomes 0.00001; ExAC 0.00002; TOPMed 0.00002.
gnomAD v4.1: 22 of 1,613,410 alleles (0.0014%); highest among the groups gnomAD compares: Admixed American, 0.01%; no homozygotes.

Submissions (2):

Labcorp Genetics (formerly Invitae), Labcorp
Classification: Uncertain significance for Intellectual disability, autosomal recessive 53. Last evaluated: 2022-08-02. Review status: criteria provided, single submitter. Criteria: Invitae Variant Classification Sherloc (09022015). Collection method: clinical testing. Allele origin: germline.
Comment: This sequence change replaces threonine, which is neutral and polar, with methionine, which is neutral and non-polar, at codon 772 of the PIGG protein (p.Thr772Met). This variant is present in population databases (rs769044460, gnomAD 0.01%). This variant has not been reported in the literature in individuals affected with PIGG-related conditions. Algorithms developed to predict the effect of missense changes on protein structure and function output the following: SIFT: "Tolerated"; PolyPhen-2: "Benign"; Align-GVGD: "Class C0". The methionine amino acid residue is found in multiple mammalian species, which suggests that this missense change does not adversely affect protein function. In summary, the available evidence is currently insufficient to determine the role of this variant in disease. Therefore, it has been classified as a Variant of Uncertain Significance.

Ambry Genetics
Classification: Uncertain significance for Inborn genetic diseases. Last evaluated: 2021-07-09. Review status: criteria provided, single submitter. Criteria: Ambry Variant Classification Scheme 2023. Collection method: clinical testing. Allele origin: germline.